The following is an entry in ClinVar:

ClinVar aggregate classification (germline): Uncertain significance (1 of 4 stars; one submission).

Conditions:
Autosomal dominant nonsyndromic hearing loss 1. Also called: KONIGSMARK SYNDROME; DEAFNESS, AUTOSOMAL DOMINANT 1, WITH OR WITHOUT THROMBOCYTOPENIA. Identifiers: Orphanet 90635, MedGen C1852282, MONDO:0007424, OMIM 124900.
Progressive microcephaly-seizures-cortical blindness-developmental delay syndrome. Also called: Seizures, cortical blindness, and microcephaly syndrome. Identifiers: Orphanet 477814, MedGen C5567650, MONDO:0014714, OMIM 616632.

Allele frequency attached by ClinVar (database versions not stated): gnomAD 0.00001; gnomAD exomes 0.00001 and 0.00002; TOPMed 0.00001.
gnomAD v4.1: 10 of 1,612,374 alleles (0.00062%); highest among the groups gnomAD compares: Non-Finnish European, 0.00085%; no homozygotes.

Submission:

Labcorp Genetics (formerly Invitae), Labcorp
Classification: Uncertain significance for Progressive microcephaly-seizures-cortical blindness-developmental delay syndrome; Autosomal dominant nonsyndromic hearing loss 1. Last evaluated: 2024-09-30. Review status: criteria provided, single submitter. Criteria: Invitae Variant Classification Sherloc (09022015). Collection method: clinical testing. Allele origin: germline.
Comment: This sequence change replaces aspartic acid, which is acidic and polar, with glycine, which is neutral and non-polar, at codon 210 of the DIAPH1 protein (p.Asp210Gly). This variant is present in population databases (no rsID available, gnomAD 0.002%). This variant has not been reported in the literature in individuals affected with DIAPH1-related conditions. ClinVar contains an entry for this variant (Variation ID: 1402870). Experimental studies and prediction algorithms are not available or were not evaluated, and the functional significance of this variant is currently unknown. In summary, the available evidence is currently insufficient to determine the role of this variant in disease. Therefore, it has been classified as a Variant of Uncertain Significance.

NM_005219.5(DIAPH1):c.629A>G (p.Asp210Gly)

Gene: DIAPH1 (diaphanous related formin 1; minus strand). Cytogenetic location: 5q31.3.
Variant type: single nucleotide variant.
Coding change: c.629A>G on transcript NM_005219.5 (MANE Select); coding-DNA position 629, A replaced by G.
Protein change: p.Asp210Gly; replaces aspartic acid 210 with glycine.
Molecular consequence: missense variant.
Genome position (GRCh38, 1-based): chr5:141,582,367, T>C on the plus strand (A>G on the coding strand, the complement: DIAPH1 is on the minus strand). VCF-style: chr5-141582367-T-C. GRCh37 (hg19) VCF-style: chr5-140961934-T-C.
Other names: c.602A>G, p.Asp201Gly (NM_001079812.3); c.629A>G, p.Asp210Gly (NM_001314007.2); short protein forms D210G, D201G.
Identifiers: ClinVar variation 1402870 (VCV001402870.6), dbSNP rs1424725542, ClinGen allele CA361540026.
Genomic context (GRCh38, chr5:141,582,367, plus strand): 5'-CTCACCTTGTTGTTCATAAAAGCTTTCAAGCAGCGAATGATCTCATGCTTGTTCCGGCTA[T>C]CGTAACTCCTGTATATAGAAGACATAATCAGTGAGGTCCCTTTATTCTCTACCCCTTTCC-3'
Protein context (NP_005210.3, residues 200-220): DEKEETAGSY[Asp210Gly]SRNKHEIIRC